The following is an entry in ClinVar:

NM_001365999.1(SZT2):c.9508_9511del (p.Cys3170fs)

Genes: SZT2-AS1 (SZT2 antisense RNA 1; minus strand), SZT2 (SZT2 subunit of KICSTOR complex; plus strand). Cytogenetic location: 1p34.2.
Variant type: Microsatellite.
Coding change: c.9508_9511del on transcript NM_001365999.1 (MANE Select); coding-DNA positions 9508 to 9511, 4 bases deleted (TGTC; older notation c.9508_9511delTGTC).
Protein change: p.Cys3170fs; shifts the reading frame from cysteine 3170.
Molecular consequence: frameshift variant. On other transcripts: non-coding transcript variant (1).
Genome position (GRCh38, 1-based): chr1:43,447,916-43,447,919, TGTC deleted; deleting any 4 consecutive bases within chr1:43,447,912-43,447,919 gives the same sequence; the c. name uses the placement nearest the transcript's 3' end. VCF-style (leftmost placement, unchanged base first): chr1-43447911-TTGTC-T. GRCh37 (hg19) VCF-style: chr1-43913582-TTGTC-T.
Other names: c.9337_9340del, p.Cys3113fs (NM_015284.4); short protein forms C3113fs, C3170fs.
Identifiers: ClinVar variation 862427 (VCV000862427.7), dbSNP rs1655878450, ClinGen allele CA916082021.

ClinVar aggregate classification (germline): Pathogenic (1 of 4 stars; one submission).

Submission:

Labcorp Genetics (formerly Invitae), Labcorp
Classification: Pathogenic. Last evaluated: 2025-06-09. Review status: criteria provided, single submitter. Criteria: Invitae Variant Classification Sherloc (09022015). Collection method: clinical testing. Allele origin: germline.
Comment: This sequence change creates a premature translational stop signal (p.Cys3113Thrfs*70) in the SZT2 gene. It is expected to result in an absent or disrupted protein product. Loss-of-function variants in SZT2 are known to be pathogenic (PMID: 23932106, 27248490, 28556953). This variant is not present in population databases (gnomAD no frequency). This variant has not been reported in the literature in individuals affected with SZT2-related conditions. ClinVar contains an entry for this variant (Variation ID: 862427). For these reasons, this variant has been classified as Pathogenic.

Literature cited by the submitters: PubMed 23932106; PubMed 27248490; PubMed 28556953.